The following is an entry in ClinVar:

ClinVar aggregate classification (germline): Conflicting classifications of pathogenicity. Review status: criteria provided, conflicting classifications (1 of 4 stars). 3 submissions from 3 submitters: Uncertain significance (1); Benign (1). 1 of the submissions does not count toward it. Last evaluated 2025-11-27.

Conditions:
IGSF10-related disorder. Also called: IGSF10-related condition.

Allele frequency attached by ClinVar (database versions not stated): gnomAD exomes 0.00018; ExAC 0.00063; gnomAD 0.00182; ESP Exome Variant Server 0.00185; TOPMed 0.00200; 1000 Genomes Project 0.00319; 1000 Genomes Project 30x 0.00359.
gnomAD v4.1: 552 of 1,614,196 alleles (0.034%); highest among the groups gnomAD compares: African/African-American, 0.66%; 2 homozygotes.

Submissions (3):

Labcorp Genetics (formerly Invitae), Labcorp
Classification: Benign. Last evaluated: 2025-11-27. Review status: criteria provided, single submitter. Criteria: Invitae Variant Classification Sherloc (09022015). Collection method: clinical testing. Allele origin: germline.

Ambry Genetics
Classification: Uncertain significance. Last evaluated: 2025-08-09. Review status: criteria provided, single submitter. Criteria: Ambry Variant Classification Scheme 2023. Collection method: clinical testing. Allele origin: germline.

PreventionGenetics, part of Exact Sciences
Classification: Benign for IGSF10-related condition. Last evaluated: 2019-07-31. Review status: no assertion criteria provided. Collection method: clinical testing. Allele origin: germline. Not counted in ClinVar's aggregate classification.
Comment: This variant is classified as benign based on ACMG/AMP sequence variant interpretation guidelines (Richards et al. 2015 PMID: 25741868, with internal and published modifications).

NM_178822.5(IGSF10):c.3856A>G (p.Lys1286Glu)

Gene: IGSF10 (immunoglobulin superfamily member 10; minus strand). Cytogenetic location: 3q25.1.
Variant type: single nucleotide variant.
Coding change: c.3856A>G on transcript NM_178822.5 (MANE Select); coding-DNA position 3856, A replaced by G.
Protein change: p.Lys1286Glu; replaces lysine 1286 with glutamic acid.
Molecular consequence: missense variant.
Genome position (GRCh38, 1-based): chr3:151,446,125, T>C on the plus strand (A>G on the coding strand, the complement: IGSF10 is on the minus strand). VCF-style: chr3-151446125-T-C. GRCh37 (hg19) VCF-style: chr3-151163913-T-C.
Other names: c.3856A>G, p.Lys1286Glu (NM_001385060.1, NM_001385061.1, NM_001385062.1 and 1 more transcripts); c.3856A>G (NM_178822.4); short protein forms K1286E.
Identifiers: ClinVar variation 2073001 (VCV002073001.7), dbSNP rs150329686, ClinGen allele CA2670079.